The following is an entry in ClinVar:

ClinVar aggregate classification (germline): Uncertain significance (1 of 4 stars; one submission).

Conditions:
Hereditary cancer-predisposing syndrome. Also called: Neoplastic Syndromes, Hereditary; Tumor predisposition; Hereditary Cancer Syndrome; Hereditary neoplastic syndrome. Identifiers: Orphanet 140162, MedGen C0027672, MeSH D009386, MONDO:0015356.

Submission:

Ambry Genetics
Classification: Uncertain significance for Hereditary cancer-predisposing syndrome. Last evaluated: 2026-05-20. Review status: criteria provided, single submitter. Criteria: Ambry Variant Classification Scheme 2023. Collection method: clinical testing. Allele origin: germline.
Comment: The p.D1562N variant (also known as c.4684G>A), located in coding exon 15 of the APC gene, results from a G to A substitution at nucleotide position 4684. The aspartic acid at codon 1562 is replaced by asparagine, an amino acid with highly similar properties. In addition, in silico predictors for this gene do not accurately predict pathogenicity. Missense variants in APC are not a common cause of disease (Spier I et al. Genet Med. 2024 Feb;26(2):100992). Based on the available evidence, the clinical significance of this variant remains unclear.

NM_000038.6(APC):c.4684G>A (p.Asp1562Asn)

Gene: APC (APC regulator of Wnt signaling pathway; plus strand). Cytogenetic location: 5q22.2.
Variant type: single nucleotide variant.
Coding change: c.4684G>A on transcript NM_000038.6 (MANE Select); coding-DNA position 4684, G replaced by A.
Protein change: p.Asp1562Asn; replaces aspartic acid 1562 with asparagine.
Molecular consequence: missense variant. On other transcripts: non-coding transcript variant (2).
Genome position (GRCh38, 1-based): chr5:112,840,278, G>A. VCF-style: chr5-112840278-G-A. GRCh37 (hg19) VCF-style: chr5-112175975-G-A.
Other names: c.4684G>A, p.Asp1562Asn (NM_001127510.3, NM_001354895.2, NM_001407450.1); c.4630G>A, p.Asp1544Asn (NM_001127511.3); c.4738G>A, p.Asp1580Asn (NM_001354896.2, NM_001407447.1, NM_001407448.1 and 1 more transcripts); c.4714G>A, p.Asp1572Asn (NM_001354897.2); c.4609G>A, p.Asp1537Asn (NM_001354898.2); c.4600G>A, p.Asp1534Asn (NM_001354899.2); c.4561G>A, p.Asp1521Asn (NM_001354900.2); c.4507G>A, p.Asp1503Asn (NM_001354901.2, NM_001407453.1); and 11 more; short protein forms D1178N, D1279N, D1402N, D1433N, D1436N, D1461N, D1471N, D1479N.
Identifiers: ClinVar variation 4861733 (VCV004861733.1).
Genomic context (GRCh38, chr5:112,840,278, plus strand): 5'-CCTAAAGAATCAAATGAAAACCAAGAGAAAGAGGCAGAAAAAACTATTGATTCTGAAAAG[G>A]ACCTATTAGATGATTCAGATGATGATGATATTGAAATACTAGAAGAATGTATTATTTCTG-3'
Protein context (NP_000029.2, residues 1552-1572): EAEKTIDSEK[Asp1562Asn]LLDDSDDDDI